The following is an entry in ClinVar:

NM_002693.3(POLG):c.2659G>A (p.Val887Met)

Gene: POLG (DNA polymerase gamma, catalytic subunit; minus strand). Cytogenetic location: 15q26.1.
Variant type: single nucleotide variant.
Coding change: c.2659G>A on transcript NM_002693.3 (MANE Select); coding-DNA position 2659, G replaced by A.
Protein change: p.Val887Met; replaces valine 887 with methionine.
Molecular consequence: missense variant.
Genome position (GRCh38, 1-based): chr15:89,321,200, C>T on the plus strand (G>A on the coding strand, the complement: POLG is on the minus strand). VCF-style: chr15-89321200-C-T. GRCh37 (hg19) VCF-style: chr15-89864431-C-T.
Other names: c.2659G>A, p.Val887Met (NM_001126131.2); short protein forms V887M.
Identifiers: ClinVar variation 3345803 (VCV003345803.3).

ClinVar aggregate classification (germline): Uncertain significance. Review status: criteria provided, single submitter (1 of 4 stars). 2 submissions from 2 submitters: Uncertain significance (1). 1 of the submissions does not count toward it. Last evaluated 2024-11-14.

Conditions:
Progressive sclerosing poliodystrophy (MTDPS4A). Also called: Mitochondrial DNA Depletion Syndrome 4A; ALPERS PROGRESSIVE INFANTILE POLIODYSTROPHY; NEURONAL DEGENERATION OF CHILDHOOD WITH LIVER DISEASE, PROGRESSIVE; Alpers Syndrome; ALPERS DIFFUSE DEGENERATION OF CEREBRAL GRAY MATTER WITH HEPATIC CIRRHOSIS; Alpers-Huttenlocher Syndrome. Identifiers: Orphanet 726, MedGen C0205710, MONDO:0008758, OMIM 203700.
POLG-related disorder. Also called: POLG-related condition; POLG-Related Disorders; POLG-Related Spectrum Disorders. Identifiers: MedGen C4763519.

Submissions (2):

Labcorp Genetics (formerly Invitae), Labcorp
Classification: Uncertain significance for Progressive sclerosing poliodystrophy. Last evaluated: 2024-11-14. Review status: criteria provided, single submitter. Criteria: Invitae Variant Classification Sherloc (09022015). Collection method: clinical testing. Allele origin: germline.
Comment: This sequence change replaces valine, which is neutral and non-polar, with methionine, which is neutral and non-polar, at codon 887 of the POLG protein (p.Val887Met). This variant is not present in population databases (gnomAD no frequency). This variant has not been reported in the literature in individuals affected with POLG-related conditions. Invitae Evidence Modeling of protein sequence and biophysical properties (such as structural, functional, and spatial information, amino acid conservation, physicochemical variation, residue mobility, and thermodynamic stability) indicates that this missense variant is expected to disrupt POLG protein function with a positive predictive value of 95%. In summary, the available evidence is currently insufficient to determine the role of this variant in disease. Therefore, it has been classified as a Variant of Uncertain Significance.

PreventionGenetics, part of Exact Sciences
Classification: Uncertain significance for POLG-related condition. Last evaluated: 2024-08-27. Review status: no assertion criteria provided. Collection method: clinical testing. Allele origin: germline. Not counted in ClinVar's aggregate classification.
Comment: The POLG c.2659G>A variant is predicted to result in the amino acid substitution p.Val887Met. To our knowledge, this variant has not been reported in the literature or in a large population database, indicating this variant is rare. At this time, the clinical significance of this variant is uncertain due to the absence of conclusive functional and genetic evidence.